The following is an entry in ClinVar:

ClinVar aggregate classification (germline): Conflicting classifications of pathogenicity. Review status: criteria provided, conflicting classifications (1 of 4 stars). 6 submissions from 6 submitters: Pathogenic (1); Likely pathogenic (2); Uncertain significance (1). 2 of the submissions do not count toward it. Last evaluated 2025-12-29.

Conditions:
Immunodeficiency, common variable, 10. Also called: DEFICIT IN ANTERIOR PITUITARY FUNCTION AND VARIABLE IMMUNODEFICIENCY; IMMUNODEFICIENCY, COMMON VARIABLE, WITH CENTRAL ADRENAL INSUFFICIENCY. Identifiers: MedGen C3809991, MONDO:0014260, OMIM 615577.

Submissions (6):

Center for Genomic Medicine, Rigshospitalet, Copenhagen University Hospital
Classification: Likely pathogenic. Last evaluated: 2025-12-29. Review status: criteria provided, single submitter. Criteria: ACMG Guidelines, 2015. Collection method: clinical testing. Allele origin: germline.

MGZ Medical Genetics Center
Classification: Likely pathogenic for Immunodeficiency, common variable, 10. Last evaluated: 2022-03-07. Review status: criteria provided, single submitter. Criteria: ACMG Guidelines, 2015. Collection method: clinical testing. Allele origin: germline. Affected: yes. Observed: 1 variant allele.
Comment: ACMG criteria applied: PS4_MOD, PM2_SUP, PM6_SUP, PP1, PP2

Labcorp Genetics (formerly Invitae), Labcorp
Classification: Uncertain significance for Immunodeficiency, common variable, 10. Last evaluated: 2020-01-21. Review status: criteria provided, single submitter. Criteria: Invitae Variant Classification Sherloc (09022015). Collection method: clinical testing. Allele origin: germline.
Comment: In summary, the available evidence is currently insufficient to determine the role of this variant in disease. Therefore, it has been classified as a Variant of Uncertain Significance. Algorithms developed to predict the effect of missense changes on protein structure and function are either unavailable or do not agree on the potential impact of this missense change (SIFT: "Deleterious"; PolyPhen-2: "Probably Damaging"; Align-GVGD: "Class C0"). This variant has been observed in individual(s) with deficient anterior pituitary and variable immune deficiency (DAVID syndrome) (PMID: 25524009, Invitae). It has also been observed to segregate with disease in related individuals. ClinVar contains an entry for this variant (Variation ID: 155766). This variant is not present in population databases (ExAC no frequency). This sequence change replaces alanine with valine at codon 867 of the NFKB2 protein (p.Ala867Val). The alanine residue is weakly conserved and there is a small physicochemical difference between alanine and valine.

Institute of Human Genetics Munich, TUM University Hospital
Classification: Pathogenic for Immunodeficiency, common variable, 10. Last evaluated: 2019-08-19. Review status: criteria provided, single submitter. Criteria: Classification criteria August 2017. Collection method: clinical testing. Allele origin: de novo. Inheritance: Autosomal dominant inheritance. Affected: yes. Observed: 1 heterozygote.

OMIM
Classification: Pathogenic for IMMUNODEFICIENCY, COMMON VARIABLE, 10. Last evaluated: 2014-12-19. Review status: no assertion criteria provided. Collection method: literature only. Allele origin: germline. Not counted in ClinVar's aggregate classification.

Samuels research lab, Centre de Recherche du CHU Ste-Justine
Classification: Pathogenic for Combined variable immunodeficiency (CVID) with pituitary insufficiency (ACTH deficiency, sometimes with growth hormone or thyroid hormone deficiency). Review status: no assertion criteria provided. Collection method: research. Allele origin: unknown. Affected: yes. Observed: 3 variant alleles. Study: FORGE Canada. Not counted in ClinVar's aggregate classification.
Comment: Molecular characterization of rare pediatric disorders in Canada

Literature cited by the submitters: PubMed 37322808 (cited by Center for Genomic Medicine, Rigshospitalet, Copenhagen University Hospital); PubMed 32888943 (cited by Center for Genomic Medicine, Rigshospitalet, Copenhagen University Hospital); PubMed 25524009 (cited by 3 submitters); PubMed 22013103 (cited by OMIM).

NM_001322934.2(NFKB2):c.2600C>T (p.Ala867Val)

Gene: NFKB2 (nuclear factor kappa B subunit 2; plus strand). Cytogenetic location: 10q24.32.
Variant type: single nucleotide variant.
Coding change: c.2600C>T on transcript NM_001322934.2 (MANE Select); coding-DNA position 2600, C replaced by T.
Protein change: p.Ala867Val; replaces alanine 867 with valine.
Molecular consequence: missense variant.
Genome position (GRCh38, 1-based): chr10:102,402,273, C>T. VCF-style: chr10-102402273-C-T. GRCh37 (hg19) VCF-style: chr10-104162030-C-T.
Other names: c.2600C>T, p.Ala867Val (NM_001077494.3, LRG_1347t1); c.2597C>T, p.Ala866Val (NM_001261403.3, NM_001288724.1, NM_002502.6); c.2474C>T, p.Ala825Val (NM_001322935.1); short protein forms A866V, A867V, A825V.
Identifiers: ClinVar variation 155766 (VCV000155766.19), dbSNP rs727502788, ClinGen allele CA211929.